The following is an entry in ClinVar:

NM_000548.5(TSC2):c.3282G>A (p.Ser1094=)

Gene: TSC2 (TSC complex subunit 2; plus strand). Cytogenetic location: 16p13.3.
Variant type: single nucleotide variant.
Coding change: c.3282G>A on transcript NM_000548.5 (MANE Select); coding-DNA position 3282, G replaced by A.
Protein change: p.Ser1094=; no amino-acid change (serine 1094 retained).
Molecular consequence: synonymous variant.
Genome position (GRCh38, 1-based): chr16:2,079,426, G>A. VCF-style: chr16-2079426-G-A. GRCh37 (hg19) VCF-style: chr16-2129427-G-A.
Other names: c.3150G>A, p.Ser1050= (NM_001077183.3, NM_001370404.1); c.3282G>A, p.Ser1094= (NM_001114382.3); c.3042G>A, p.Ser1014= (NM_001318827.2); c.3006G>A, p.Ser1002= (NM_001318829.2); c.2550G>A, p.Ser850= (NM_001318831.2); c.3183G>A, p.Ser1061= (NM_001318832.2); c.3153G>A, p.Ser1051= (NM_001363528.2, NM_001370405.1, NM_021055.3).
Identifiers: ClinVar variation 413660 (VCV000413660.40), dbSNP rs1060504095, ClinGen allele CA16615095.
Genomic context (GRCh38, chr16:2,079,426, plus strand): 5'-AACCGGGACCCGGTCGTTACTAGGCCTGGACTCGGGGGAGCTGCAGTCCGGCCCGGAGTC[G>A]AGGTGACTGCACCTTCCTTTCCTCCGCGCCTGCCAGCCTCGACACCGGCTGTCCCGAGCC-3'
Protein context (NP_000539.2, residues 1084-1104): DSGELQSGPE[Ser1094=]SSSPGVHVRQ

ClinVar aggregate classification (germline): Conflicting classifications of pathogenicity. Review status: criteria provided, conflicting classifications (1 of 4 stars). 6 submissions from 6 submitters: Uncertain significance (1); Benign (2); Likely benign (3). Last evaluated 2025-12-15.

Conditions:
Hereditary cancer-predisposing syndrome. Also called: Tumor predisposition; Hereditary neoplastic syndrome; Hereditary Cancer Syndrome; Neoplastic Syndromes, Hereditary. Identifiers: Orphanet 140162, MedGen C0027672, MeSH D009386, MONDO:0015356.
Tuberous sclerosis 2 (TSC2). Identifiers: Orphanet 805, MedGen C1860707, MONDO:0013199, OMIM 613254.

Allele frequency attached by ClinVar (database versions not stated): gnomAD exomes below 0.00001; gnomAD 0.00001; TOPMed 0.00002.
gnomAD v4.1: 7 of 1,612,648 alleles (0.00043%); highest among the groups gnomAD compares: African/African-American, 0.0027%; no homozygotes.

Submissions (6):

Labcorp Genetics (formerly Invitae), Labcorp
Classification: Likely benign for Tuberous sclerosis 2. Last evaluated: 2025-12-15. Review status: criteria provided, single submitter. Criteria: Invitae Variant Classification Sherloc (09022015). Collection method: clinical testing. Allele origin: germline.

Myriad Genetics, Inc.
Classification: Benign for Tuberous sclerosis 2. Last evaluated: 2025-05-28. Review status: criteria provided, single submitter. Criteria: Myriad Autosomal Dominant, Autosomal Recessive and X-Linked Classification Criteria (2023). Collection method: clinical testing. Allele origin: unknown.
Comment: This variant is considered benign. This variant is a silent/synonymous amino acid change and it is not expected to impact splicing.

Women's Health and Genetics/Laboratory Corporation of America, LabCorp
Classification: Uncertain significance. Last evaluated: 2025-02-18. Review status: criteria provided, single submitter. Criteria: LabCorp Variant Classification Summary - May 2015. Collection method: clinical testing. Allele origin: germline.
Comment: Variant summary: TSC2 c.3282G>A (p.Ser1094Ser) alters a non-conserved nucleotide located close to a canonical splice site and therefore could affect mRNA splicing, leading to a significantly altered protein sequence. Consensus agreement among computation tools predict no significant impact on normal splicing. However, these predictions have yet to be confirmed by functional studies. The variant allele was found at a frequency of 4e-06 in 249060 control chromosomes. The available data on variant occurrences in the general population are insufficient to allow any conclusion about variant significance. To our knowledge, no occurrence of c.3282G>A in individuals affected with Tuberous Sclerosis Complex and no experimental evidence demonstrating its impact on protein function have been reported. ClinVar contains an entry for this variant (Variation ID: 413660). Based on the evidence outlined above, the variant was classified as uncertain significance.

CeGaT Center for Human Genetics Tuebingen
Classification: Likely benign. Last evaluated: 2024-03-01. Review status: criteria provided, single submitter. Criteria: CeGaT Center For Human Genetics Tuebingen Variant Classification Criteria Version 2. Collection method: clinical testing. Allele origin: germline. Affected: yes. Observed: 1 variant allele.
Comment: TSC2: BP4, BP7

Genome-Nilou Lab
Classification: Benign for Tuberous sclerosis 2. Last evaluated: 2021-11-07. Review status: criteria provided, single submitter. Criteria: ACMG Guidelines, 2015. Collection method: clinical testing. Allele origin: germline. Affected: no.

Ambry Genetics
Classification: Likely benign for Hereditary cancer-predisposing syndrome. Last evaluated: 2019-02-09. Review status: criteria provided, single submitter. Criteria: Ambry Variant Classification Scheme 2023. Collection method: clinical testing. Allele origin: germline.